The following is an entry in ClinVar:

ClinVar aggregate classification (germline): Uncertain significance (1 of 4 stars; one submission).

Conditions:
Progressive myoclonic epilepsy type 9. Identifiers: Orphanet 457265, MedGen C4225289, MONDO:0014685, OMIM 616540.
Lipodystrophy, partial, acquired, susceptibility to (APLD). Also called: APLD, SUSCEPTIBILITY TO. Identifiers: MedGen C3887501, MONDO:0100476, OMIM 608709.

Allele frequency attached by ClinVar (database versions not stated): gnomAD exomes 0.00001 and 0.00002; TOPMed 0.00001; ExAC 0.00002.
gnomAD v4.1: 8 of 1,614,064 alleles (0.0005%); highest among the groups gnomAD compares: East Asian, 0.0045%; no homozygotes.

Submission:

Labcorp Genetics (formerly Invitae), Labcorp
Classification: Uncertain significance for Progressive myoclonic epilepsy type 9; Lipodystrophy, partial, acquired, susceptibility to. Last evaluated: 2020-03-26. Review status: criteria provided, single submitter. Criteria: Invitae Variant Classification Sherloc (09022015). Collection method: clinical testing. Allele origin: germline.
Comment: Algorithms developed to predict the effect of missense changes on protein structure and function (SIFT, PolyPhen-2, Align-GVGD) all suggest that this variant is likely to be disruptive, but these predictions have not been confirmed by published functional studies and their clinical significance is uncertain. In summary, the available evidence is currently insufficient to determine the role of this variant in disease. Therefore, it has been classified as a Variant of Uncertain Significance. Algorithms developed to predict the effect of sequence changes on RNA splicing suggest that this variant may create or strengthen a splice site, but this prediction has not been confirmed by published transcriptional studies. This variant has not been reported in the literature in individuals with LMNB2-related conditions. This variant is present in population databases (rs752321316, ExAC 0.02%). This sequence change replaces arginine with cysteine at codon 205 of the LMNB2 protein (p.Arg205Cys). The arginine residue is highly conserved and there is a large physicochemical difference between arginine and cysteine.

NM_032737.4(LMNB2):c.613C>T (p.Arg205Cys)

Gene: LMNB2 (lamin B2; minus strand). Cytogenetic location: 19p13.3.
Variant type: single nucleotide variant.
Coding change: c.613C>T on transcript NM_032737.4 (MANE Select); coding-DNA position 613, C replaced by T.
Protein change: p.Arg205Cys; replaces arginine 205 with cysteine.
Molecular consequence: missense variant.
Genome position (GRCh38, 1-based): chr19:2,438,234, G>A on the plus strand (C>T on the coding strand, the complement: LMNB2 is on the minus strand). VCF-style: chr19-2438234-G-A. GRCh37 (hg19) VCF-style: chr19-2438232-G-A.
Other names: short protein forms R205C.
Identifiers: ClinVar variation 1015638 (VCV001015638.8), dbSNP rs752321316, ClinGen allele CA9067832.
Genomic context (GRCh38, chr19:2,438,234, plus strand): 5'-CACTCTTCCGGAAGTCCAGCTCCTCCTGCAGGCTCTGGCAGCGGTTCTCCAGGTCCACAC[G>A]CATCAGCGTCTCCTTCTCCAGCTGCTTTTTGGCCACTGCATGACCGTCCTCGGCCTGGGA-3'
Protein context (NP_116126.3, residues 195-215): KKQLEKETLM[Arg205Cys]VDLENRCQSL